The following is an entry in ClinVar:

ClinVar aggregate classification (germline): Uncertain significance (1 of 4 stars; one submission).

Submission:

Women's Health and Genetics/Laboratory Corporation of America, LabCorp
Classification: Uncertain significance. Last evaluated: 2024-09-19. Review status: criteria provided, single submitter. Criteria: LabCorp Variant Classification Summary - May 2015. Collection method: clinical testing. Allele origin: germline.
Comment: Variant summary: SERPINI1 c.971G>A (p.Gly324Asp) results in a non-conservative amino acid change located in the Serpin domain (IPR023796) of the encoded protein sequence. Three of five in-silico tools predict a benign effect of the variant on protein function. The variant was absent in 249492 control chromosomes (gnomAD). The available data on variant occurrences in the general population are insufficient to allow any conclusion about variant significance. To our knowledge, no occurrence of c.971G>A in individuals affected with Familial Encephalopathy With Neuroserpin Inclusion Bodies and no experimental evidence demonstrating its impact on protein function have been reported. No submitters have cited clinical-significance assessments for this variant to ClinVar. Based on the evidence outlined above, the variant was classified as uncertain significance.

NM_001122752.2(SERPINI1):c.971G>A (p.Gly324Asp)

Gene: SERPINI1 (serpin family I member 1; plus strand). Cytogenetic location: 3q26.1.
Variant type: single nucleotide variant.
Coding change: c.971G>A on transcript NM_001122752.2 (MANE Select); coding-DNA position 971, G replaced by A.
Protein change: p.Gly324Asp; replaces glycine 324 with aspartic acid.
Molecular consequence: missense variant.
Genome position (GRCh38, 1-based): chr3:167,807,333, G>A. VCF-style: chr3-167807333-G-A. GRCh37 (hg19) VCF-style: chr3-167525121-G-A.
Other names: c.971G>A, p.Gly324Asp (NM_005025.5); short protein forms G324D.
Identifiers: ClinVar variation 3375369 (VCV003375369.1).